The following is an entry in ClinVar:

ClinVar aggregate classification (germline): Uncertain significance (1 of 4 stars; one submission).

Conditions:
Hereditary cancer-predisposing syndrome. Also called: Tumor predisposition; Hereditary Cancer Syndrome; Neoplastic Syndromes, Hereditary; Hereditary neoplastic syndrome. Identifiers: Orphanet 140162, MedGen C0027672, MeSH D009386, MONDO:0015356.

Submission:

Color Diagnostics, LLC DBA Color Health
Classification: Uncertain significance for Hereditary cancer-predisposing syndrome. Last evaluated: 2024-03-06. Review status: criteria provided, single submitter. Criteria: ACMG Guidelines, 2015. Collection method: clinical testing. Allele origin: germline.
Comment: This missense variant replaces methionine with valine at codon 46 of the CHEK2 protein. Computational prediction suggests that this variant may not impact protein structure and function (internally defined REVEL score threshold <= 0.5, PMID: 27666373). To our knowledge, functional studies have not been reported for this variant. This variant has not been reported in individuals affected with hereditary cancer in the literature. This variant has not been identified in the general population by the Genome Aggregation Database (gnomAD). The available evidence is insufficient to determine the role of this variant in disease conclusively. Therefore, this variant is classified as a Variant of Uncertain Significance.

NM_007194.4(CHEK2):c.136A>G (p.Met46Val)

Gene: CHEK2 (checkpoint kinase 2; minus strand). Cytogenetic location: 22q12.1.
Variant type: single nucleotide variant.
Coding change: c.136A>G on transcript NM_007194.4 (MANE Select); coding-DNA position 136, A replaced by G.
Protein change: p.Met46Val; replaces methionine 46 with valine.
Molecular consequence: missense variant.
Genome position (GRCh38, 1-based): chr22:28,734,586, T>C on the plus strand (A>G on the coding strand, the complement: CHEK2 is on the minus strand). VCF-style: chr22-28734586-T-C. GRCh37 (hg19) VCF-style: chr22-29130574-T-C.
Other names: c.136A>G, p.Met46Val (NM_001005735.3, NM_001349956.3, NM_145862.3); c.-642A>G (NM_001257387.3); short protein forms M46V.
Identifiers: ClinVar variation 1332602 (VCV001332602.2), dbSNP rs1601852941, ClinGen allele CA411091169.